The following is an entry in ClinVar:

ClinVar aggregate classification (germline): Uncertain significance (1 of 4 stars; one submission).

Conditions:
Neuronal ceroid lipofuscinosis. Also called: Neuronal Ceroid Lipofuscinoses. Identifiers: Orphanet 216, Orphanet 79263, MedGen C0027877, MONDO:0016295. Disease mechanism: loss of function.

Submission:

Labcorp Genetics (formerly Invitae), Labcorp
Classification: Uncertain significance for Neuronal ceroid lipofuscinosis. Last evaluated: 2022-06-08. Review status: criteria provided, single submitter. Criteria: Invitae Variant Classification Sherloc (09022015). Collection method: clinical testing. Allele origin: germline.
Comment: This sequence change replaces glycine, which is neutral and non-polar, with valine, which is neutral and non-polar, at codon 282 of the CTSD protein (p.Gly282Val). This variant is not present in population databases (gnomAD no frequency). This variant has not been reported in the literature in individuals affected with CTSD-related conditions. Algorithms developed to predict the effect of missense changes on protein structure and function are either unavailable or do not agree on the potential impact of this missense change (SIFT: "Tolerated"; PolyPhen-2: "Possibly Damaging"; Align-GVGD: "Class C0"). In summary, the available evidence is currently insufficient to determine the role of this variant in disease. Therefore, it has been classified as a Variant of Uncertain Significance.

NM_001909.5(CTSD):c.845G>T (p.Gly282Val)

Gene: CTSD (cathepsin D; minus strand). Cytogenetic location: 11p15.5.
Variant type: single nucleotide variant.
Coding change: c.845G>T on transcript NM_001909.5 (MANE Select); coding-DNA position 845, G replaced by T.
Protein change: p.Gly282Val; replaces glycine 282 with valine.
Molecular consequence: missense variant.
Genome position (GRCh38, 1-based): chr11:1,754,121, C>A on the plus strand (G>T on the coding strand, the complement: CTSD is on the minus strand). VCF-style: chr11-1754121-C-A. GRCh37 (hg19) VCF-style: chr11-1775351-C-A.
Other names: short protein forms G282V.
Identifiers: ClinVar variation 2183290 (VCV002183290.1), dbSNP rs2493817172, ClinGen allele CA379094132.